The following is an entry in ClinVar:

ClinVar aggregate classification (germline): Uncertain significance. Review status: criteria provided, multiple submitters, no conflicts (2 of 4 stars). 5 submissions from 5 submitters: Uncertain significance (5). Last evaluated 2025-12-17.

Conditions:
Cardiofaciocutaneous syndrome 4 (CFC4). Also called: MAP2K2-Related Cardiofaciocutaneous Syndrome. Identifiers: Orphanet 1340, MedGen C3809007, MONDO:0014114, OMIM 615280.
RASopathy. Also called: Noonan spectrum disorder; rasopathies. Identifiers: Orphanet 536391, MedGen C5555857, MONDO:0021060.

Allele frequency attached by ClinVar (database versions not stated): TOPMed 0.00006.
gnomAD v4.1: 77 of 1,607,542 alleles (0.0048%); highest among the groups gnomAD compares: East Asian, 0.11%; no homozygotes.

Submissions (5):

Labcorp Genetics (formerly Invitae), Labcorp
Classification: Uncertain significance for RASopathy. Last evaluated: 2025-12-17. Review status: criteria provided, single submitter. Criteria: Invitae Variant Classification Sherloc (09022015). Collection method: clinical testing. Allele origin: germline.
Comment: This sequence change replaces proline, which is neutral and non-polar, with leucine, which is neutral and non-polar, at codon 269 of the MAP2K2 protein (p.Pro269Leu). This variant is present in population databases (rs368064728, gnomAD 0.007%). This variant has not been reported in the literature in individuals affected with MAP2K2-related conditions. ClinVar contains an entry for this variant (Variation ID: 180906). Invitae Evidence Modeling incorporating data from in vitro experimental studies (internal data) indicates that this missense variant is not expected to disrupt MAP2K2 function with a negative predictive value of 95%. In summary, the available evidence is currently insufficient to determine the role of this variant in disease. Therefore, it has been classified as a Variant of Uncertain Significance.

Department of Pathology and Laboratory Medicine, Sinai Health System
Classification: Uncertain significance for Cardiofaciocutaneous syndrome 4. Last evaluated: 2022-10-11. Review status: criteria provided, single submitter. Criteria: ACMG Guidelines, 2015. Collection method: research. Allele origin: germline.

Mayo Clinic Laboratories, Mayo Clinic
Classification: Uncertain significance. Last evaluated: 2021-04-30. Review status: criteria provided, single submitter. Criteria: ACMG Guidelines, 2015. Collection method: clinical testing. Allele origin: germline.

Women's Health and Genetics/Laboratory Corporation of America, LabCorp
Classification: Uncertain significance. Last evaluated: 2017-07-10. Review status: criteria provided, single submitter. Criteria: LabCorp Variant Classification Summary - May 2015. Collection method: clinical testing. Allele origin: germline.
Comment: Variant summary: The MAP2K2 c.806C>T (p.Pro269Leu) variant causes a missense change involving the alteration of a conserved nucleotide. 4/4 in silico tools predict a damaging outcome for this variant (SNPsandGO not captured due to low reliability index). The variant of interest has been found in a large, broad control population, ExAC in 3/80512 control chromosomes at a frequency of 0.0000373, which is approximately 15 times the estimated maximal expected allele frequency of a pathogenic MAP2K2 variant (0.0000025), suggesting this variant is likely a benign polymorphism. This variant was reported in one case of infant ALL without strong evidence for causality (Zhang_BRCA_NEJM_2015). One clinical diagnostic laboratory classified this variant as uncertain significance (cited as a maternally inherited variant identified in pt in NSRD panel; no clinical info on pt and the mother provided by submitter). Taken together, this variant is classified as VUS-possibly benign.

GeneDx
Classification: Uncertain significance. Last evaluated: 2015-03-04. Review status: criteria provided, single submitter. Criteria: GeneDx Variant Classification (06012015). Collection method: clinical testing. Allele origin: germline. Affected: yes.
Comment: p.Pro269Leu (CCG>CTG): c.806 C>T in exon 7 of the MAP2K2 gene (NM_030662.3).A variant of unknown significance has been identified in the MAP2K2 gene. The P269L variant has not been published as a mutation, nor has it been reported as a benign polymorphism to our knowledge. The P269L variant was not observed in approximately 6,500 individuals of European and African American ancestry in the NHLBI Exome Sequencing Project, indicating it is not a common benign variant in these populations. The P269L variant is a semi-conservative amino acid substitution, which may impact secondary protein structure as these residues differ in some properties. This substitution occurs at a position that is well conserved across species. In silico analysis is inconsistent in its predictions as to whether or not the variant is damaging to the protein structure/function. One missense mutation in a nearby residue (K273R) has been reported in association with Cardio-Facio-Cutaneous (CFC) syndrome, supporting the functional importance of this region of the protein. Therefore, based on the currently available information, it is unclear whether this variant is a pathogenic mutation or a rare benign variant. The variant is found in NOONAN panel(s).

Literature cited by the submitters: PubMed 26580448 (cited by Women's Health and Genetics/Laboratory Corporation of America, LabCorp).

NM_030662.4(MAP2K2):c.806C>T (p.Pro269Leu)

Gene: MAP2K2 (mitogen-activated protein kinase kinase 2; minus strand). Cytogenetic location: 19p13.3.
Variant type: single nucleotide variant.
Coding change: c.806C>T on transcript NM_030662.4 (MANE Select); coding-DNA position 806, C replaced by T.
Protein change: p.Pro269Leu; replaces proline 269 with leucine.
Molecular consequence: missense variant.
Genome position (GRCh38, 1-based): chr19:4,099,314, G>A on the plus strand (C>T on the coding strand, the complement: MAP2K2 is on the minus strand). VCF-style: chr19-4099314-G-A. GRCh37 (hg19) VCF-style: chr19-4099312-G-A.
Other names: p.P269L:CCG>CTG; p.Pro269Leu; short protein forms P269L.
Identifiers: ClinVar variation 180906 (VCV000180906.14), dbSNP rs368064728, ClinGen allele CA296136.